The following is an entry in ClinVar:

NM_000277.3(PAH):c.275C>T (p.Thr92Ile)

Gene: PAH (phenylalanine hydroxylase; minus strand). Cytogenetic location: 12q23.2.
Variant type: single nucleotide variant.
Coding change: c.275C>T on transcript NM_000277.3 (MANE Select); coding-DNA position 275, C replaced by T.
Protein change: p.Thr92Ile; replaces threonine 92 with isoleucine.
Molecular consequence: missense variant.
Genome position (GRCh38, 1-based): chr12:102,894,812, G>A on the plus strand (C>T on the coding strand, the complement: PAH is on the minus strand). VCF-style: chr12-102894812-G-A. GRCh37 (hg19) VCF-style: chr12-103288590-G-A.
Other names: c.275C>T, p.Thr92Ile (NM_001354304.2); c.275C>T (NM_000277.2); short protein forms T92I.
Identifiers: ClinVar variation 102643 (VCV000102643.12), dbSNP rs62514903, ClinGen allele CA229504.

ClinVar aggregate classification (germline): Pathogenic/Likely pathogenic. Review status: criteria provided, multiple submitters, no conflicts (2 of 4 stars). 5 submissions from 5 submitters: Pathogenic (2); Likely pathogenic (2). 1 of the submissions does not count toward it. Last evaluated 2025-10-19.

Conditions:
Phenylketonuria (PKU). Also called: Phenylketonuria (PKU); FOLLING DISEASE; OLIGOPHRENIA PHENYLPYRUVICA; Phenylketonurias. Identifiers: Orphanet 716, MedGen C0031485, MONDO:0009861, OMIM 261600. Disease mechanism: loss of function.

Allele frequency attached by ClinVar (database versions not stated): ExAC 0.00001; gnomAD exomes below 0.00001; gnomAD 0.00001; TOPMed 0.00001; ESP Exome Variant Server 0.00008.
gnomAD v4.1: 3 of 1,613,868 alleles (0.00019%); highest among the groups gnomAD compares: Non-Finnish European, 0.00025%; no homozygotes.

Submissions (5):

Natera, Inc.
Classification: Likely pathogenic for Phenylketonuria. Last evaluated: 2025-10-19. Review status: criteria provided, single submitter. Criteria: Natera Variant Classification Schema (03/2026). Collection method: clinical testing. Allele origin: germline.
Comment: The c.275C>T variant in PAH is a missense variant predicted to cause substitution of threonine to isoleucine at amino acid 92. This variant is rare in the general population with a frequency below the threshold expected for the associated phenotype(s). This variant has been observed in one or more individuals affected with the associated recessive disease, as either homozygous or compound heterozygous with a second variant (PMID: 31623983, 16601866, 16198137, 8830172). Multiple computational prediction algorithms suggest this variant is unlikely to affect gene or protein function. Given the available evidence, this variant is classified as Likely Pathogenic.

Labcorp Genetics (formerly Invitae), Labcorp
Classification: Pathogenic for Phenylketonuria. Last evaluated: 2025-01-18. Review status: criteria provided, single submitter. Criteria: Invitae Variant Classification Sherloc (09022015). Collection method: clinical testing. Allele origin: germline.
Comment: This sequence change replaces threonine, which is neutral and polar, with isoleucine, which is neutral and non-polar, at codon 92 of the PAH protein (p.Thr92Ile). This variant is present in population databases (rs62514903, gnomAD 0.0009%). This missense change has been observed in individual(s) with hyperphenylalaninemia (PMID: 11708866, 16198137, 16601866). ClinVar contains an entry for this variant (Variation ID: 102643). Invitae Evidence Modeling of protein sequence and biophysical properties (such as structural, functional, and spatial information, amino acid conservation, physicochemical variation, residue mobility, and thermodynamic stability) indicates that this missense variant is not expected to disrupt PAH protein function with a negative predictive value of 80%. Experimental studies are conflicting or provide insufficient evidence to determine the effect of this variant on PAH function (PMID: 11708866). For these reasons, this variant has been classified as Pathogenic.

Women's Health and Genetics/Laboratory Corporation of America, LabCorp
Classification: Pathogenic for Phenylketonuria. Last evaluated: 2024-12-27. Review status: criteria provided, single submitter. Criteria: LabCorp Variant Classification Summary - May 2015. Collection method: clinical testing. Allele origin: germline.
Comment: Variant summary: PAH c.275C>T (p.Thr92Ile) results in a non-conservative amino acid change in the encoded protein sequence. Three of five in-silico tools predict a benign effect of the variant on protein function. The variant allele was found at a frequency of 4e-06 in 251432 control chromosomes. c.275C>T has been reported in the literature in multiple individuals affected with Phenylalanine Hydroxylase Deficiency (Phenylketonuria). These data indicate that the variant is very likely to be associated with disease. At least one publication reports experimental evidence evaluating an impact on protein function. The most pronounced variant effect results in 76% of normal activity. The following publications have been ascertained in the context of this evaluation (PMID: 9399896, 31332730, 17935162). ClinVar contains an entry for this variant (Variation ID: 102643). Based on the evidence outlined above, the variant was classified as pathogenic.

GeneDx
Classification: Likely pathogenic. Last evaluated: 2023-09-22. Review status: criteria provided, single submitter. Criteria: GeneDx Variant Classification Process June 2021. Collection method: clinical testing. Allele origin: germline. Affected: yes.
Comment: Not observed at significant frequency in large population cohorts (gnomAD); In silico analysis supports that this missense variant does not alter protein structure/function; This variant is associated with the following publications: (PMID: 21953985, 11708866, 8268925, 25087612, 9781015, 16198137, 17935162, 16601866, 32668217)

DeBelle Laboratory for Biochemical Genetics, MUHC/MCH RESEARCH INSTITUTE
No classification provided. Review status: no classification provided. Collection method: not provided. Allele origin: not provided. Not counted in ClinVar's aggregate classification.

Literature cited by the submitters: PubMed 31623983 (cited by Natera, Inc.); PubMed 16601866 (cited by Natera, Inc. and Labcorp Genetics (formerly Invitae), Labcorp); PubMed 16198137 (cited by Natera, Inc. and Labcorp Genetics (formerly Invitae), Labcorp); PubMed 8830172 (cited by Natera, Inc.); PubMed 11708866 (cited by Labcorp Genetics (formerly Invitae), Labcorp); PubMed 9399896 (cited by Women's Health and Genetics/Laboratory Corporation of America, LabCorp); PubMed 17935162 (cited by Women's Health and Genetics/Laboratory Corporation of America, LabCorp); PubMed 31332730 (cited by Women's Health and Genetics/Laboratory Corporation of America, LabCorp).